The following is an entry in ClinVar:

ClinVar aggregate classification (germline): Uncertain significance (1 of 4 stars; one submission).

Conditions:
DNA ligase IV deficiency. Identifiers: Orphanet 99812, MedGen C1847827, MONDO:0011686, OMIM 606593.

gnomAD v4.1: 2 of 1,613,884 alleles (0.00012%); highest among the groups gnomAD compares: Non-Finnish European, 0.00017%; no homozygotes.

Submission:

Labcorp Genetics (formerly Invitae), Labcorp
Classification: Uncertain significance for DNA ligase IV deficiency. Last evaluated: 2025-02-04. Review status: criteria provided, single submitter. Criteria: Invitae Variant Classification Sherloc (09022015). Collection method: clinical testing. Allele origin: germline.
Comment: This sequence change replaces methionine, which is neutral and non-polar, with threonine, which is neutral and polar, at codon 332 of the LIG4 protein (p.Met332Thr). This variant is not present in population databases (gnomAD no frequency). This variant has not been reported in the literature in individuals affected with LIG4-related conditions. Invitae Evidence Modeling of protein sequence and biophysical properties (such as structural, functional, and spatial information, amino acid conservation, physicochemical variation, residue mobility, and thermodynamic stability) indicates that this missense variant is expected to disrupt LIG4 protein function with a positive predictive value of 95%. In summary, the available evidence is currently insufficient to determine the role of this variant in disease. Therefore, it has been classified as a Variant of Uncertain Significance.

NM_206937.2(LIG4):c.995T>C (p.Met332Thr)

Gene: LIG4 (DNA ligase 4; minus strand). Cytogenetic location: 13q33.3.
Variant type: single nucleotide variant.
Coding change: c.995T>C on transcript NM_206937.2 (MANE Select); coding-DNA position 995, T replaced by C.
Protein change: p.Met332Thr; replaces methionine 332 with threonine.
Molecular consequence: missense variant.
Genome position (GRCh38, 1-based): chr13:108,210,274, A>G on the plus strand (T>C on the coding strand, the complement: LIG4 is on the minus strand). VCF-style: chr13-108210274-A-G. GRCh37 (hg19) VCF-style: chr13-108862622-A-G.
Other names: c.995T>C, p.Met332Thr (NM_001098268.2, NM_001352598.2, NM_001352599.2 and 6 more transcripts); c.794T>C, p.Met265Thr (NM_001330595.2); c.1031T>C, p.Met344Thr (NM_001352604.2); short protein forms M265T, M332T, M344T.
Identifiers: ClinVar variation 4746019 (VCV004746019.1).